The following is an entry in ClinVar:

NM_000051.4(ATM):c.8269-4C>T

Genes: ATM (ATM serine/threonine kinase; plus strand), C11orf65 (chromosome 11 open reading frame 65; minus strand). Cytogenetic location: 11q22.3.
Variant type: single nucleotide variant.
Coding change: c.8269-4C>T on transcript NM_000051.4 (MANE Select); 4 bases into the intron before coding-DNA position 8269, C replaced by T.
Molecular consequence: intron variant.
Genome position (GRCh38, 1-based): chr11:108,343,218, C>T. VCF-style: chr11-108343218-C-T. GRCh37 (hg19) VCF-style: chr11-108213945-C-T.
Other names: c.8269-4C>T (NM_001351834.2); c.641-34147G>A (NM_001330368.2); c.695-7926G>A (NM_001351110.2).
Identifiers: ClinVar variation 3254011 (VCV003254011.1), dbSNP rs2136939311.

ClinVar aggregate classification (germline): Likely benign. Review status: criteria provided, single submitter (1 of 4 stars). 2 submissions from 2 submitters: Likely benign (1). 1 of the submissions does not count toward it. Last evaluated 2024-06-19.

Conditions:
Ataxia-telangiectasia syndrome (AT). Also called: AT, COMPLEMENTATION GROUP C; Ataxia-telangiectasia, complementation group D; ATAXIA-TELANGIECTASIA, COMPLEMENTATION GROUP A; ATAXIA-TELANGIECTASIA, FRESNO VARIANT; Ataxia-telangiectasia; Ataxia-telangiectasia, complementation group E. Identifiers: Orphanet 100, MedGen C0004135, MONDO:0008840, OMIM 208900.
Familial cancer of breast. Also called: hereditary breast carcinoma; BREAST CANCER, FAMILIAL; Hereditary breast cancer. Identifiers: Orphanet 227535, MedGen C0346153, MONDO:0016419, OMIM 114480. Disease mechanism: loss of function.

Submissions (2):

Myriad Genetics, Inc.
Classification: Likely benign for Familial cancer of breast. Last evaluated: 2024-06-19. Review status: criteria provided, single submitter. Criteria: Myriad Autosomal Dominant, Autosomal Recessive and X-Linked Classification Criteria (2023). Collection method: clinical testing. Allele origin: unknown.
Comment: This variant is considered likely benign. This variant is intronic and is not expected to impact mRNA splicing.

Natera, Inc.
Classification: Uncertain significance for Ataxia-telangiectasia. Last evaluated: 2025-03-24. Review status: no assertion criteria provided. Collection method: clinical testing. Allele origin: germline. Not counted in ClinVar's aggregate classification.